The following is an entry in ClinVar:

NM_020999.4(NEUROG3):c.163C>G (p.Arg55Gly)

Gene: NEUROG3 (neurogenin 3; minus strand). Cytogenetic location: 10q22.1.
Variant type: single nucleotide variant.
Coding change: c.163C>G on transcript NM_020999.4 (MANE Select); coding-DNA position 163, C replaced by G.
Protein change: p.Arg55Gly; replaces arginine 55 with glycine.
Molecular consequence: missense variant.
Genome position (GRCh38, 1-based): chr10:69,572,881, G>C on the plus strand (C>G on the coding strand, the complement: NEUROG3 is on the minus strand). VCF-style: chr10-69572881-G-C. GRCh37 (hg19) VCF-style: chr10-71332637-G-C.
Other names: short protein forms R55G.
Identifiers: ClinVar variation 1986639 (VCV001986639.4), dbSNP rs757235177, ClinGen allele CA5533764.

ClinVar aggregate classification (germline): Uncertain significance. Review status: criteria provided, multiple submitters, no conflicts (2 of 4 stars). 2 submissions from 2 submitters: Uncertain significance (2). Last evaluated 2022-09-29.

Conditions:
Inborn genetic diseases. Identifiers: MedGen C0950123, MeSH D030342.

Allele frequency attached by ClinVar (database versions not stated): ExAC 0.00001; gnomAD 0.00001.
gnomAD v4.1: 6 of 1,608,828 alleles (0.00037%); highest among the groups gnomAD compares: Middle Eastern, 0.016%; no homozygotes.

Submissions (2):

Ambry Genetics
Classification: Uncertain significance for Inborn genetic diseases. Last evaluated: 2022-09-29. Review status: criteria provided, single submitter. Criteria: Ambry Variant Classification Scheme 2023. Collection method: clinical testing. Allele origin: germline.

Labcorp Genetics (formerly Invitae), Labcorp
Classification: Uncertain significance. Last evaluated: 2022-07-02. Review status: criteria provided, single submitter. Criteria: Invitae Variant Classification Sherloc (09022015). Collection method: clinical testing. Allele origin: germline.
Comment: In summary, the available evidence is currently insufficient to determine the role of this variant in disease. Therefore, it has been classified as a Variant of Uncertain Significance. Algorithms developed to predict the effect of missense changes on protein structure and function (SIFT, PolyPhen-2, Align-GVGD) all suggest that this variant is likely to be tolerated. This variant has not been reported in the literature in individuals affected with NEUROG3-related conditions. This variant is present in population databases (rs757235177, gnomAD 0.002%). This sequence change replaces arginine, which is basic and polar, with glycine, which is neutral and non-polar, at codon 55 of the NEUROG3 protein (p.Arg55Gly).